The following is an entry in ClinVar:

NM_145290.4(ADGRA3):c.1659G>A (p.Thr553=)

Gene: ADGRA3 (adhesion G protein-coupled receptor A3; minus strand). Cytogenetic location: 4p15.2.
Variant type: single nucleotide variant.
Coding change: c.1659G>A on transcript NM_145290.4 (MANE Select); coding-DNA position 1659, G replaced by A.
Protein change: p.Thr553=; no amino-acid change (threonine 553 retained).
Molecular consequence: synonymous variant.
Genome position (GRCh38, 1-based): chr4:22,421,036, C>T on the plus strand (G>A on the coding strand, the complement: ADGRA3 is on the minus strand). VCF-style: chr4-22421036-C-T. GRCh37 (hg19) VCF-style: chr4-22422659-C-T.
Identifiers: ClinVar variation 427870 (VCV000427870.7), dbSNP rs780809068, ClinGen allele CA2873881.

ClinVar aggregate classification (germline): Uncertain significance. Review status: criteria provided, single submitter (1 of 4 stars). 2 submissions from 2 submitters: Uncertain significance (1). 1 of the submissions does not count toward it. Last evaluated 2022-01-31.

Conditions:
Retinal dystrophy. Also called: Inherited retinal dystrophy. Identifiers: Orphanet 71862, MedGen C0854723, MeSH D058499, MONDO:0019118, HP:0000556.

Allele frequency attached by ClinVar (database versions not stated): gnomAD 0.00001; TOPMed 0.00002.
gnomAD v4.1: 7 of 1,613,850 alleles (0.00043%); highest among the groups gnomAD compares: African/African-American, 0.0027%; no homozygotes.

Submissions (2):

Labcorp Genetics (formerly Invitae), Labcorp
Classification: Uncertain significance. Last evaluated: 2022-01-31. Review status: criteria provided, single submitter. Criteria: Invitae Variant Classification Sherloc (09022015). Collection method: clinical testing. Allele origin: germline.
Comment: In summary, the available evidence is currently insufficient to determine the role of this variant in disease. Therefore, it has been classified as a Variant of Uncertain Significance. Studies have shown that this variant is associated with altered splicing, but the impact on the resulting protein product is unknown (PMID: 28714225). ClinVar contains an entry for this variant (Variation ID: 427870). This variant has been observed in individual(s) with retinal dystrophy (PMID: 28714225). This variant is not present in population databases (gnomAD no frequency). This sequence change affects codon 553 of the ADGRA3 mRNA. It is a 'silent' change, meaning that it does not change the encoded amino acid sequence of the ADGRA3 protein.

Rui Chen Lab, Baylor College of Medicine
Classification: Uncertain significance for Retinal dystrophy. Last evaluated: 2017-05-09. Review status: no assertion criteria provided. Collection method: research. Allele origin: germline. Affected: yes. Not counted in ClinVar's aggregate classification.
Comment: An in vitrominigene system was used to confirm that the variant disrupts splicing

Literature cited by the submitters: PubMed 28714225 (cited by Labcorp Genetics (formerly Invitae), Labcorp).